The following is an entry in ClinVar:

ClinVar aggregate classification (germline): Uncertain significance (1 of 4 stars; one submission).

Allele frequency attached by ClinVar (database versions not stated): gnomAD exomes below 0.00001.
gnomAD v4.1: 1 of 1,613,822 alleles (0.000062%); highest among the groups gnomAD compares: South Asian, 0.0011%; no homozygotes.

Submission:

Labcorp Genetics (formerly Invitae), Labcorp
Classification: Uncertain significance. Last evaluated: 2023-08-17. Review status: criteria provided, single submitter. Criteria: Invitae Variant Classification Sherloc (09022015). Collection method: clinical testing. Allele origin: germline.
Comment: In summary, the available evidence is currently insufficient to determine the role of this variant in disease. Therefore, it has been classified as a Variant of Uncertain Significance. This sequence change replaces lysine, which is basic and polar, with threonine, which is neutral and polar, at codon 636 of the NALCN protein (p.Lys636Thr). This variant is not present in population databases (gnomAD no frequency). This variant has not been reported in the literature in individuals affected with NALCN-related conditions. ClinVar contains an entry for this variant (Variation ID: 1715261). Advanced modeling of protein sequence and biophysical properties (such as structural, functional, and spatial information, amino acid conservation, physicochemical variation, residue mobility, and thermodynamic stability) performed at Invitae indicates that this missense variant is not expected to disrupt NALCN protein function.

NM_052867.4(NALCN):c.1907A>C (p.Lys636Thr)

Gene: NALCN (sodium leak channel, non-selective; minus strand). Cytogenetic location: 13q33.1.
Variant type: single nucleotide variant.
Coding change: c.1907A>C on transcript NM_052867.4 (MANE Select); coding-DNA position 1907, A replaced by C.
Protein change: p.Lys636Thr; replaces lysine 636 with threonine.
Molecular consequence: missense variant.
Genome position (GRCh38, 1-based): chr13:101,144,829, T>G on the plus strand (A>C on the coding strand, the complement: NALCN is on the minus strand). VCF-style: chr13-101144829-T-G. GRCh37 (hg19) VCF-style: chr13-101797180-T-G.
Other names: c.1907A>C, p.Lys636Thr (NM_001350748.2, NM_001350749.2); c.1820A>C, p.Lys607Thr (NM_001350750.2, NM_001350751.2); short protein forms K607T, K636T.
Identifiers: ClinVar variation 1715261 (VCV001715261.5), dbSNP rs2502465172, ClinGen allele CA388671786.